The following is an entry in ClinVar:

NM_006767.4(LZTR1):c.824G>A (p.Arg275Gln)

Gene: LZTR1 (leucine zipper like post translational regulator 1; plus strand). Cytogenetic location: 22q11.21.
Variant type: single nucleotide variant.
Coding change: c.824G>A on transcript NM_006767.4 (MANE Select); coding-DNA position 824, G replaced by A.
Protein change: p.Arg275Gln; replaces arginine 275 with glutamine.
Molecular consequence: missense variant.
Genome position (GRCh38, 1-based): chr22:20,991,660, G>A. VCF-style: chr22-20991660-G-A. GRCh37 (hg19) VCF-style: chr22-21345949-G-A.
Other names: short protein forms R275Q.
Identifiers: ClinVar variation 1515257 (VCV001515257.13), dbSNP rs778001313, ClinGen allele CA10118646.
Genomic context (GRCh38, chr22:20,991,660, plus strand): 5'-GCATTGATTCACTGTTGTGTACCCCCAGGTGGACACGCATCCCAACTGAACACCTGCTCC[G>A]GGGCTCCCCACCACCCCCGCAGCGGCGCTACGGGCATACCATGGTGGCCTTTGACCGCCA-3'
Protein context (NP_006758.2, residues 265-285): WTRIPTEHLL[Arg275Gln]GSPPPPQRRY

ClinVar aggregate classification (germline): Uncertain significance. Review status: criteria provided, multiple submitters, no conflicts (2 of 4 stars). 5 submissions from 5 submitters: Uncertain significance (5). Last evaluated 2026-01-12.

Conditions:
Cardiovascular phenotype. Identifiers: MedGen CN230736.
Hereditary cancer-predisposing syndrome. Also called: Tumor predisposition; Neoplastic Syndromes, Hereditary; Hereditary neoplastic syndrome; Hereditary Cancer Syndrome. Identifiers: Orphanet 140162, MedGen C0027672, MeSH D009386, MONDO:0015356.
Noonan syndrome 10 (NS10). Identifiers: Orphanet 648, MedGen C4225280, MONDO:0014693, OMIM 616564.
LZTR1-related schwannomatosis. Also called: Schwannomatosis-2, susceptibility to; Schwannomatosis 2. Identifiers: Orphanet 93921, MedGen C3810283, MONDO:0014299, OMIM 615670.

Allele frequency attached by ClinVar (database versions not stated): gnomAD exomes 0.00001 and 0.00003; TOPMed 0.00003; gnomAD 0.00004 and 0.00005; ExAC 0.00008.
gnomAD v4.1: 24 of 1,602,064 alleles (0.0015%); highest among the groups gnomAD compares: African/African-American, 0.008%; no homozygotes.

Submissions (5):

Labcorp Genetics (formerly Invitae), Labcorp
Classification: Uncertain significance. Last evaluated: 2026-01-12. Review status: criteria provided, single submitter. Criteria: Invitae Variant Classification Sherloc (09022015). Collection method: clinical testing. Allele origin: germline.
Comment: This sequence change replaces arginine, which is basic and polar, with glutamine, which is neutral and polar, at codon 275 of the LZTR1 protein (p.Arg275Gln). The frequency data for this variant in the population databases is considered unreliable, as metrics indicate poor data quality at this position in the gnomAD database. This variant has not been reported in the literature in individuals affected with LZTR1-related conditions. ClinVar contains an entry for this variant (Variation ID: 1515257). Invitae Evidence Modeling of protein sequence and biophysical properties (such as structural, functional, and spatial information, amino acid conservation, physicochemical variation, residue mobility, and thermodynamic stability) indicates that this missense variant is not expected to disrupt LZTR1 protein function with a negative predictive value of 80%. In summary, the available evidence is currently insufficient to determine the role of this variant in disease. Therefore, it has been classified as a Variant of Uncertain Significance.

Department of Paediatric Medicine, Post Graduation Institute of Medical Education and Research
Classification: Uncertain significance for Noonan syndrome 10. Last evaluated: 2025-10-01. Review status: criteria provided, single submitter. Criteria: ACMG Guidelines, 2015. Collection method: clinical testing. Allele origin: unknown. Inheritance: Autosomal dominant inheritance. Affected: yes.
Comment: The missense variant NM_006767.4(LZTR1):c.824G>A (p.Arg275Gln) has not been reported previously as a pathogenic variant nor as a benign variant, to our knowledge. The p.Arg275Gln variant is observed in 3/29,164 (0.0103%) alleles from individuals of gnomAD South Asian background. The p.Arg275Gln variant is novel (not in any individuals) in 1kG. The p.Arg275Gln missense variant is predicted to be damaging by both SIFT and PolyPhen2. For these reasons, this variant has been classified as Uncertain Significance.

Ambry Genetics
Classification: Uncertain significance for Cardiovascular phenotype; Hereditary cancer-predisposing syndrome. Last evaluated: 2024-11-26. Review status: criteria provided, single submitter. Criteria: Ambry Variant Classification Scheme 2023. Collection method: clinical testing. Allele origin: germline.
Comment: The p.R275Q variant (also known as c.824G>A), located in coding exon 9 of the LZTR1 gene, results from a G to A substitution at nucleotide position 824. The arginine at codon 275 is replaced by glutamine, an amino acid with highly similar properties. This amino acid position is highly conserved in available vertebrate species. In addition, this alteration is predicted to be tolerated by in silico analysis. Based on the available evidence, the clinical significance of this variant remains unclear.

Baylor Genetics
Classification: Uncertain significance for LZTR1-related schwannomatosis. Last evaluated: 2023-05-10. Review status: criteria provided, single submitter. Criteria: ACMG Guidelines, 2015. Collection method: clinical testing. Allele origin: unknown.

Revvity Omics, Revvity
Classification: Uncertain significance. Last evaluated: 2020-07-30. Review status: criteria provided, single submitter. Criteria: ACMG Guidelines, 2015. Collection method: clinical testing. Allele origin: germline.